The following is an entry in ClinVar:

NM_001048174.2(MUTYH):c.1450del (p.Gln484fs)

Gene: MUTYH (mutY DNA glycosylase; minus strand). Cytogenetic location: 1p34.1.
Variant type: Deletion.
Coding change: c.1450del on transcript NM_001048174.2 (MANE Select); coding-DNA position 1450, one base deleted (C; older notation c.1450delC).
Protein change: p.Gln484fs; shifts the reading frame from glutamine 484.
Molecular consequence: frameshift variant. On other transcripts: non-coding transcript variant (7).
Genome position (GRCh38, 1-based): chr1:45,329,422, G deleted on the plus strand (C on the coding strand, the reverse complement: MUTYH is on the minus strand); the first of 3 consecutive G bases (chr1:45,329,422-45,329,424); deleting any one gives the same sequence. VCF-style (leftmost placement, unchanged base first): chr1-45329421-TG-T. GRCh37 (hg19) VCF-style: chr1-45795093-TG-T.
Other names: c.1534delC (NM_001128425.1); c.1450del, p.Gln484fs (NM_001048171.2, NM_001048173.2, NM_001293195.2 and 6 more transcripts); c.1453del, p.Gln485fs (NM_001048172.2, NM_001407071.1, NM_001407078.1 and 1 more transcripts); c.1534del, p.Gln512fs (NM_001128425.2); c.1495del, p.Gln499fs (NM_001293190.2); c.1483del, p.Gln495fs (NM_001293191.2, NM_001407069.1, NM_001407077.1); c.1174del, p.Gln392fs (NM_001293192.2, NM_001293196.2, NM_001407091.1); c.1105del, p.Gln369fs (NM_001350650.2, NM_001350651.2, NM_001407082.1); and 6 more; short protein forms Q470fs, Q498fs, Q512fs, Q471fs, Q484fs, Q509fs, Q485fs, Q495fs.
Identifiers: ClinVar variation 2447315 (VCV002447315.2), dbSNP rs1315680518, ClinGen allele CA736161284.

ClinVar aggregate classification (germline): Likely pathogenic (1 of 4 stars; one submission).

Conditions:
Hereditary cancer-predisposing syndrome. Also called: Neoplastic Syndromes, Hereditary; Hereditary Cancer Syndrome; Tumor predisposition; Hereditary neoplastic syndrome. Identifiers: Orphanet 140162, MedGen C0027672, MeSH D009386, MONDO:0015356.

Submission:

Ambry Genetics
Classification: Likely pathogenic for Hereditary cancer-predisposing syndrome. Last evaluated: 2022-11-07. Review status: criteria provided, single submitter. Criteria: Ambry Variant Classification Scheme 2023. Collection method: clinical testing. Allele origin: germline.
Comment: The c.1534delC variant, located in coding exon 16 of the MUTYH gene, results from a deletion of one nucleotide at nucleotide position 1534, causing a translational frameshift with a predicted alternate stop codon (p.Q512Rfs*59). This alteration occurs at the 3' terminus of theMUTYH gene, is not expected to trigger nonsense-mediated mRNAdecay and results in the elongation of the protein by 20 amino acids. This frameshift impacts the last 38amino acids of the native protein. However, frameshifts are typically deleterious in nature, the impacted region is critical for protein function, and a significant portion of the protein is affected (Ambry internal data). Based on the majority of available evidence to date, this variant is likely to be pathogenic.